The following is an entry in ClinVar:

ClinVar aggregate classification (germline): Uncertain significance. Review status: criteria provided, multiple submitters, no conflicts (2 of 4 stars). 2 submissions from 2 submitters: Uncertain significance (2). Last evaluated 2025-10-27.

gnomAD v4.1: 13 of 1,606,452 alleles (0.00081%); highest among the groups gnomAD compares: Middle Eastern, 0.017%; no homozygotes.

Submissions (2):

Labcorp Genetics (formerly Invitae), Labcorp
Classification: Uncertain significance. Last evaluated: 2025-10-27. Review status: criteria provided, single submitter. Criteria: Invitae Variant Classification Sherloc (09022015). Collection method: clinical testing. Allele origin: germline.
Comment: This sequence change replaces glutamic acid, which is acidic and polar, with lysine, which is basic and polar, at codon 4160 of the FAT2 protein (p.Glu4160Lys). This variant is present in population databases (no rsID available, gnomAD 0.003%). This variant has not been reported in the literature in individuals affected with FAT2-related conditions. ClinVar contains an entry for this variant (Variation ID: 3513277). An algorithm developed to predict the effect of missense changes on protein structure and function (PolyPhen-2) suggests that this variant is likely to be tolerated. In summary, the available evidence is currently insufficient to determine the role of this variant in disease. Therefore, it has been classified as a Variant of Uncertain Significance.

Ambry Genetics
Classification: Uncertain significance. Last evaluated: 2024-10-29. Review status: criteria provided, single submitter. Criteria: Ambry Variant Classification Scheme 2023. Collection method: clinical testing. Allele origin: germline.

NM_001447.3(FAT2):c.12478G>A (p.Glu4160Lys)

Genes: FAT2 (FAT atypical cadherin 2; minus strand), SLC36A1 (solute carrier family 36 member 1; plus strand). Cytogenetic location: 5q33.1.
Variant type: single nucleotide variant.
Coding change: c.12478G>A on transcript NM_001447.3 (MANE Select); coding-DNA position 12478, G replaced by A.
Protein change: p.Glu4160Lys; replaces glutamic acid 4160 with lysine.
Molecular consequence: missense variant.
Genome position (GRCh38, 1-based): chr5:151,507,193, C>T on the plus strand (G>A on the coding strand, the complement: FAT2 is on the minus strand). VCF-style: chr5-151507193-C-T. GRCh37 (hg19) VCF-style: chr5-150886754-C-T.
Other names: short protein forms E4160K.
Identifiers: ClinVar variation 3513277 (VCV003513277.2).
Genomic context (GRCh38, chr5:151,507,193, plus strand): 5'-AGCGTCTCTGGCTATACTGACCCATCTCCTCGCTGGACCAGGTTCTCTTAATGACAGGCT[C>T]ATTGTCAGAGTGGGAAGGGACCGCAGCTGGCGGGAGTCTGGGGGGCACACTGCAGACCAC-3'
Protein context (NP_001438.1, residues 4150-4170): PAAVPSHSDN[Glu4160Lys]PVIKRTWSSE